The following is an entry in ClinVar:

ClinVar aggregate classification (germline): Likely benign (1 of 4 stars; one submission).

Allele frequency attached by ClinVar (database versions not stated): gnomAD 0.00002; TOPMed 0.00002.
gnomAD v4.1: 61 of 1,556,284 alleles (0.0039%); highest among the groups gnomAD compares: Non-Finnish European, 0.005%; no homozygotes.

Submission:

CeGaT Center for Human Genetics Tuebingen
Classification: Likely benign. Last evaluated: 2024-03-01. Review status: criteria provided, single submitter. Criteria: CeGaT Center For Human Genetics Tuebingen Variant Classification Criteria Version 2. Collection method: clinical testing. Allele origin: germline. Affected: yes. Observed: 1 variant allele.
Comment: TANC2: BP4, BP7

NM_001394998.1(TANC2):c.4407G>A (p.Pro1469=)

Gene: TANC2 (tetratricopeptide repeat, ankyrin repeat and coiled-coil containing 2; plus strand). Cytogenetic location: 17q23.3.
Variant type: single nucleotide variant.
Coding change: c.4407G>A on transcript NM_001394998.1 (MANE Select); coding-DNA position 4407, G replaced by A.
Protein change: p.Pro1469=; no amino-acid change (proline 1469 retained).
Molecular consequence: synonymous variant.
Genome position (GRCh38, 1-based): chr17:63,420,137, G>A. VCF-style: chr17-63420137-G-A. GRCh37 (hg19) VCF-style: chr17-61497498-G-A.
Other names: c.4185G>A, p.Pro1395= (NM_001411076.1); c.4155G>A, p.Pro1385= (NM_025185.4).
Identifiers: ClinVar variation 3067436 (VCV003067436.21), dbSNP rs767872476, ClinGen allele CA8698237.